The following is an entry in ClinVar:

NM_000321.3(RB1):c.1399C>T (p.Arg467Ter)

Gene: RB1 (RB transcriptional corepressor 1; plus strand). Cytogenetic location: 13q14.2.
Variant type: single nucleotide variant.
Coding change: c.1399C>T on transcript NM_000321.3 (MANE Select); coding-DNA position 1399, C replaced by T.
Protein change: p.Arg467Ter; replaces arginine 467 with a stop codon.
Molecular consequence: nonsense.
Genome position (GRCh38, 1-based): chr13:48,380,062, C>T. VCF-style: chr13-48380062-C-T. GRCh37 (hg19) VCF-style: chr13-48954198-C-T.
Other names: L11910:g.76898C>T; short protein forms R467*.
Identifiers: ClinVar variation 92839 (VCV000092839.28), dbSNP rs398123331, ClinGen allele CA026376.
Genomic context (GRCh38, chr13:48,380,062, plus strand): 5'-AAGGTTTCAATTAAACAACTTCTTTTTTTTTTTTTAAATTATCTGTTTCAGGAAGAAGAA[C>T]GATTATCCATTCAAAATTTTAGGTAAATTTTTTACTTTTAGTAAAAAATTTTTTTCTTTT-3'

ClinVar aggregate classification (germline): Pathogenic. Review status: criteria provided, multiple submitters, no conflicts (2 of 4 stars). 11 submissions from 11 submitters: Pathogenic (11). Last evaluated 2026-05-29.

Conditions:
Retinoblastoma (RB1). Also called: RETINOBLASTOMA, SOMATIC. Identifiers: Orphanet 790, MedGen C0035335, MeSH D012175, MONDO:0008380, OMIM 180200, HP:0009919. Disease mechanism: loss of function. Inheritance: Both sporadic and heritable forms are tested..
RB1-related disorder. Also called: RB1-related condition.
Hereditary cancer-predisposing syndrome. Also called: Neoplastic Syndromes, Hereditary; Hereditary Cancer Syndrome; Tumor predisposition; Hereditary neoplastic syndrome. Identifiers: Orphanet 140162, MedGen C0027672, MeSH D009386, MONDO:0015356.

Submissions (11):

Diller/Parad Lab, Dana-Farber/Harvard Cancer Center
Classification: Pathogenic for Retinoblastoma. Last evaluated: 2026-05-29. Review status: criteria provided, single submitter. Criteria: ACMG Guidelines, 2015. Collection method: research. Allele origin: germline. Affected: yes. Observed: 2 variant alleles.
Comment: It has been classified as Pathogenic using Richards et al (PMID:25741868) based on the following evidence codes: PM2, PVS1, PP5.

St. Jude Molecular Pathology, St. Jude Children's Research Hospital
Classification: Pathogenic for Retinoblastoma. Last evaluated: 2026-02-20. Review status: criteria provided, single submitter. Criteria: St. Jude Assertion Criteria 2020. Collection method: clinical testing. Allele origin: germline.
Comment: The RB1 c.1399C>T (p.Arg467Ter) change is a nonsense variant that is predicted to cause premature protein truncation or absence of prote in due to nonsense-mediated decay. This variant has been identified in multiple individuals with retinoblastoma (PMID: 25928201, 26530098, 33456302, internal data). This variant is also absent in gnomAD v2.1.1. In sum mary, this variant meets criteria to be classified as pathogenic.

Labcorp Genetics (formerly Invitae), Labcorp
Classification: Pathogenic for Retinoblastoma. Last evaluated: 2025-02-09. Review status: criteria provided, single submitter. Criteria: Invitae Variant Classification Sherloc (09022015). Collection method: clinical testing. Allele origin: germline.
Comment: This sequence change creates a premature translational stop signal (p.Arg467*) in the RB1 gene. It is expected to result in an absent or disrupted protein product. Loss-of-function variants in RB1 are known to be pathogenic (PMID: 17096365). This variant is not present in population databases (gnomAD no frequency). This premature translational stop signal has been observed in individual(s) with retinoblastoma (PMID: 7795591, 24688104, 25928201, 26530098). ClinVar contains an entry for this variant (Variation ID: 92839). For these reasons, this variant has been classified as Pathogenic.

Ambry Genetics
Classification: Pathogenic for Hereditary cancer-predisposing syndrome. Last evaluated: 2024-12-20. Review status: criteria provided, single submitter. Criteria: Ambry Variant Classification Scheme 2023. Collection method: clinical testing. Allele origin: germline.
Comment: The p.R467* pathogenic mutation (also known as c.1399C>T), located in coding exon 15 of the RB1 gene, results from a C to T substitution at nucleotide position 1399. This changes the amino acid from an arginine to a stop codon within coding exon 15. This pathogenic mutation has been reported in numerous cases of both unilateral and bilateral retinoblastoma (Blanquet V et al. Hum. Mol. Genet. 1995 Mar; 4(3):383-8; Lohmann DR et al. Am J Hum Genet. 1996 May;58(5):940-9; Richter S et al. Am J Hum Genet. 2003 Feb;72(2):253-69; Houdayer C et al. Hum Mutat. 2004 Feb;23(2):193-202; Taylor M et al. Hum Mutat. 2007 Mar;28(3):284-93). This mutation has been referred to as g.76898C>T in the literature. In addition to the clinical data presented in the literature, this alteration is expected to result in loss of function by premature protein truncation or nonsense-mediated mRNA decay. As such, this alteration is interpreted as a disease-causing mutation.

Genetic Diagnostic Laboratory, University of Pennsylvania School of Medicine
Classification: Pathogenic for Retinoblastoma. Last evaluated: 2024-05-20. Review status: criteria provided, single submitter. Criteria: ACMG Guidelines, 2015. Collection method: clinical testing. Allele origin: germline. Affected: yes. Observed: 8 variant alleles.
Comment: Case and Pedigree Information: BILATERAL CASES:8, UNILATERAL CASES:0, TOTAL CASES:8, PEDIGREES:8. ACMG Codes Applied:PVS1, PM2, PS4SUP

Genetics and Molecular Pathology, SA Pathology
Classification: Pathogenic for Retinoblastoma. Last evaluated: 2023-05-03. Review status: criteria provided, single submitter. Criteria: ACMG Guidelines, 2015. Collection method: clinical testing. Allele origin: germline. Inheritance: Autosomal dominant inheritance. Affected: yes.
Comment: The RB1 c.1399C>T variant is classified as Pathogenic (PVS1, PM2, PS4_moderate) The RB1 c.1399C>T variant is a single nucleotide change in exon 15/27 which is predicted to result in premature termination of the protein product at codon 467 (PVS1). The variant has been reported in multiple unrelated individuals with a clinical presentation of retinoblastoma (PMID: 7795591, 33456302, 24688104, 12541220) (PS4_Moderate). This variant is absent from population databases (PM2). The variant has been reported in dbSNP (rs398123331) and in the HGMD database as disease causing (CM951106). It has been reported as pathogenic by other diagnostic laboratories (ClinVar Variation ID: 92839) and in the RB1 lsdb (RB1_000099).

Blueprint Genetics
Classification: Pathogenic for RB1-related disorders. Last evaluated: 2023-04-18. Review status: criteria provided, single submitter. Criteria: ACMG Guidelines, 2015. Collection method: clinical testing. Allele origin: germline. Affected: yes. Observed: 2 variant alleles.

GeneDx
Classification: Pathogenic. Last evaluated: 2022-01-25. Review status: criteria provided, single submitter. Criteria: GeneDx Variant Classification Process June 2021. Collection method: clinical testing. Allele origin: germline. Affected: yes.
Comment: Nonsense variant predicted to result in protein truncation or nonsense mediated decay in a gene for which loss-of-function is a known mechanism of disease; Not observed at significant frequency in large population cohorts (gnomAD); This variant is associated with the following publications: (PMID: 24078560, 21763628, 26530098, 17960112, 25525159, 25754945, 7795591, 24688104, 25928201, 27155049, 12541220, 23981928, 16343894, 26264229, 26084579, 20447117, 28803391, 33456302, 30787465)

Laboratory for Molecular Medicine, Mass General Brigham Personalized Medicine
Classification: Pathogenic for Retinoblastoma. Last evaluated: 2018-08-09. Review status: criteria provided, single submitter. Criteria: ACMG Guidelines, 2015. Collection method: clinical testing. Allele origin: germline. Inheritance: Autosomal dominant inheritance.
Comment: The p.Arg467X variant in RB1 has been reported in 8 individuals with retinoblastoma and segregated with disease in 1 affected relative (Blanquet 1995, Dommering 2014, Devarajan 2015, Grotta 2015). Of note, it was also present in one reportedly unaffected parent. This variant was absent from large population studies. This nonsense variant leads to a premature termination codon at position 467, which is predicted to lead to a truncated or absent protein. Heterozygous loss of function of the RB1 gene is an established disease mechanism in retinoblastoma. In summary, the p.Arg467X variant meets criteria to be classified as pathogenic for retinoblastoma in an autosomal dominant manner. ACMG/AMP Criteria applied: PVS1, PM2, PS4_Moderate.

Women's Health and Genetics/Laboratory Corporation of America, LabCorp
Classification: Pathogenic for Hereditary cancer-predisposing syndrome. Last evaluated: 2017-01-24. Review status: criteria provided, single submitter. Criteria: LabCorp Variant Classification Summary - May 2015. Collection method: clinical testing. Allele origin: germline.
Comment: Variant summary: The RB1 c.1399C>T (p.Arg467X) variant results in a premature termination codon, predicted to cause a truncated or absent RB1 protein due to nonsense mediated decay, which are commonly known mechanisms for disease. If this variant escapes NMD, it is expected to truncate Retinoblastoma-associated protein, A-box, Retinoblastoma-associated protein, B-box and Retinoblastoma-associated protein, C-terminal (via InterPro). Truncations downstream of this position have been classified as pathogenic clinical laboratories in ClinVar (e.g. p.Gln504Ter, p.Trp563Ter, p.Gln850Ter, etc). This variant is absent in 24658 control chromosomes from ExAC. In literature, this variant is reported as a recurrent pathogenic variant that causes retinoblastoma. The variant is found as germline as well as somatic variant in retinoblastoma patients. Multiple clinical diagnostic laboratories/reputable databases have classified this variant as pathogenic. Taken together, this variant is classified as Pathogenic.

Eurofins Ntd Llc (ga)
Classification: Pathogenic. Last evaluated: 2013-03-13. Review status: criteria provided, single submitter. Criteria: EGL Classification Definitions. Collection method: clinical testing. Allele origin: germline. Observed: 1 variant allele, 1 heterozygote.

Literature cited by the submitters: PubMed 17096365 (cited by Labcorp Genetics (formerly Invitae), Labcorp); PubMed 7795591 (cited by 4 submitters); PubMed 24688104 (cited by 3 submitters); PubMed 25928201 (cited by Labcorp Genetics (formerly Invitae), Labcorp and Laboratory for Molecular Medicine, Mass General Brigham Personalized Medicine); PubMed 26530098 (cited by Labcorp Genetics (formerly Invitae), Labcorp and Laboratory for Molecular Medicine, Mass General Brigham Personalized Medicine); PubMed 28803391 (cited by Ambry Genetics); PubMed 12541220 (cited by Genetics and Molecular Pathology, SA Pathology); PubMed 33456302 (cited by Genetics and Molecular Pathology, SA Pathology).